The following is an entry in ClinVar:

ClinVar aggregate classification (germline): Uncertain significance (1 of 4 stars; one submission).

Allele frequency attached by ClinVar (database versions not stated): gnomAD exomes below 0.00001; ExAC 0.00001.
gnomAD v4.1: 2 of 1,614,158 alleles (0.00012%); highest among the groups gnomAD compares: South Asian, 0.0011%; no homozygotes.

Submission:

Ambry Genetics
Classification: Uncertain significance. Last evaluated: 2024-11-05. Review status: criteria provided, single submitter. Criteria: Ambry Variant Classification Scheme 2023. Collection method: clinical testing. Allele origin: germline.
Comment: The p.R717Q variant (also known as c.2150G>A), located in coding exon 21 of the KIF1B gene, results from a G to A substitution at nucleotide position 2150. The arginine at codon 717 is replaced by glutamine, an amino acid with highly similar properties. This amino acid position is highly conserved in available vertebrate species. In addition, this alteration is predicted to be deleterious by in silico analysis. The evidence for this gene-disease relationship is limited; therefore, the clinical significance of this alteration is unclear.

NM_001365951.3(KIF1B):c.2288G>A (p.Arg763Gln)

Gene: KIF1B (kinesin family member 1B; plus strand). Cytogenetic location: 1p36.22.
Variant type: single nucleotide variant.
Coding change: c.2288G>A on transcript NM_001365951.3 (MANE Select); coding-DNA position 2288, G replaced by A.
Protein change: p.Arg763Gln; replaces arginine 763 with glutamine.
Molecular consequence: missense variant.
Genome position (GRCh38, 1-based): chr1:10,321,787, G>A. VCF-style: chr1-10321787-G-A. GRCh37 (hg19) VCF-style: chr1-10381845-G-A.
Other names: c.2288G>A, p.Arg763Gln (NM_001365952.1); c.2150G>A, p.Arg717Gln (NM_015074.3); short protein forms R717Q, R763Q.
Identifiers: ClinVar variation 1786745 (VCV001786745.3), dbSNP rs756162064, ClinGen allele CA581495.